The following is an entry in ClinVar:

NM_001037131.3(AGAP1):c.209C>T (p.Pro70Leu)

Genes: AGAP1 (ArfGAP with GTPase domain, ankyrin repeat and PH domain 1; plus strand), LOC126806566 (P300/CBP strongly-dependent group 1 enhancer GRCh37_chr2:236617362-236618561; plus strand). Cytogenetic location: 2q37.2.
Variant type: single nucleotide variant.
Coding change: c.209C>T on transcript NM_001037131.3 (MANE Select); coding-DNA position 209, C replaced by T.
Protein change: p.Pro70Leu; replaces proline 70 with leucine.
Molecular consequence: missense variant.
Genome position (GRCh38, 1-based): chr2:235,709,224, C>T. VCF-style: chr2-235709224-C-T. GRCh37 (hg19) VCF-style: chr2-236617868-C-T.
Other names: c.209C>T, p.Pro70Leu (NM_001244888.2, NM_001412122.1, NM_014914.5); short protein forms P70L.
Identifiers: ClinVar variation 2040856 (VCV002040856.4), dbSNP rs139445824, ClinGen allele CA2184262.

ClinVar aggregate classification (germline): Uncertain significance (1 of 4 stars; one submission).

Allele frequency attached by ClinVar (database versions not stated): ESP Exome Variant Server 0.00008; gnomAD 0.00015.
gnomAD v4.1: 467 of 1,613,964 alleles (0.029%); highest among the groups gnomAD compares: South Asian, 0.049%; 1 homozygote.

Submission:

Labcorp Genetics (formerly Invitae), Labcorp
Classification: Uncertain significance. Last evaluated: 2025-06-03. Review status: criteria provided, single submitter. Criteria: Invitae Variant Classification Sherloc (09022015). Collection method: clinical testing. Allele origin: germline.
Comment: This sequence change replaces proline, which is neutral and non-polar, with leucine, which is neutral and non-polar, at codon 70 of the AGAP1 protein (p.Pro70Leu). This variant is present in population databases (rs139445824, gnomAD 0.06%), and has an allele count higher than expected for a pathogenic variant. This variant has not been reported in the literature in individuals affected with AGAP1-related conditions. ClinVar contains an entry for this variant (Variation ID: 2040856). An algorithm developed to predict the effect of missense changes on protein structure and function (PolyPhen-2) suggests that this variant is likely to be disruptive. In summary, the available evidence is currently insufficient to determine the role of this variant in disease. Therefore, it has been classified as a Variant of Uncertain Significance.